The following is an entry in ClinVar:

ClinVar aggregate classification (germline): Pathogenic (1 of 4 stars; one submission).

Conditions:
Kleefstra syndrome 2 (KLEFS2). Identifiers: MedGen C4540395, MONDO:0054701, OMIM 617768.

Submission:

New York Genome Center
Classification: Pathogenic for Kleefstra syndrome 2. Last evaluated: 2021-04-13. Review status: criteria provided, single submitter. Criteria: NYGC Assertion Criteria 2020. Collection method: clinical testing. Allele origin: de novo. Observed: 1 variant allele. Study: CSER-NYCKidSeq.
Comment: The de novo ~243kb deletion deletes the last 53 exons (exon 7-59) of the KMT2C gene. The majority of pathogenic variants in KMT2C are nonsense or frameshift [PMID: 29069077; PMID: 32366967], suggesting loss-of-function is the likely mechanism of the disease. ClinGen Dosage Sensitivity curation indicates that the KMT2C gene has a haploinsufficiency score of 3 (i.e.,sufficient evidence for haploinsufficiency). Based on the available evidence, this de novo ~243kb deletion is classified as pathogenic.

NC_000007.14:g.152052676_152295696del

Genes: GALNT11 (polypeptide N-acetylgalactosaminyltransferase 11; plus strand), KMT2C (lysine methyltransferase 2C; minus strand), LOC123956272 (Sharpr-MPRA regulatory region 15588; plus strand), LOC126860227 (BRD4-independent group 4 enhancer GRCh37_chr7:151804574-151805773; plus strand), LOC129389938 (MPRA-validated peak6855 silencer; plus strand) and 1 more. Cytogenetic location: 7q36.1.
Variant type: Deletion.
Identifiers: ClinVar variation 1342507 (VCV001342507.2).